The following is an entry in ClinVar:

ClinVar aggregate classification (germline): Pathogenic. Review status: criteria provided, multiple submitters, no conflicts (2 of 4 stars). 6 submissions from 6 submitters: Pathogenic (6). Last evaluated 2025-10-31.

Conditions:
OPA1-related disorder. Also called: OPA1-related disorders; OPA1-related condition.
Optic atrophy with or without deafness, ophthalmoplegia, myopathy, ataxia, and neuropathy. Also called: OPTIC ATROPHY PLUS SYNDROME. Identifiers: MedGen C3276549, MONDO:0007429, OMIM 125250.
Autosomal dominant optic atrophy classic form (OPA1). Also called: Optic Atrophy Type 1; KJER-TYPE OPTIC ATROPHY; OPTIC ATROPHY, JUVENILE. Identifiers: Orphanet 98673, MedGen C0338508, MONDO:0008134, OMIM 165500.
Abortive cerebellar ataxia (BEHRS). Also called: OPTIC ATROPHY, INFANTILE HEREDITARY, WITH NEUROLOGIC ABNORMALITIES; Behr syndrome. Identifiers: Orphanet 1239, MedGen C0221061, MONDO:0008858, OMIM 210000.

Submissions (6):

Labcorp Genetics (formerly Invitae), Labcorp
Classification: Pathogenic. Last evaluated: 2025-10-31. Review status: criteria provided, single submitter. Criteria: Invitae Variant Classification Sherloc (09022015). Collection method: clinical testing. Allele origin: germline.
Comment: This sequence change creates a premature translational stop signal (p.Ser708Valfs*15) in the OPA1 gene. It is expected to result in an absent or disrupted protein product. Loss-of-function variants in OPA1 are known to be pathogenic (PMID: 11440988, 20157015, 20952381, 25012220). This variant is present in population databases (no rsID available, gnomAD 0.0009%). This premature translational stop signal has been observed in individual(s) with autosomal dominant optic atrophy (PMID: 21036400). ClinVar contains an entry for this variant (Variation ID: 973235). For these reasons, this variant has been classified as Pathogenic.

PreventionGenetics, part of Exact Sciences
Classification: Pathogenic for OPA1-related condition. Last evaluated: 2025-08-29. Review status: criteria provided, single submitter. Criteria: ACMG Guidelines, 2015. Collection method: clinical testing. Allele origin: germline.
Comment: The OPA1 c.2287delA variant is predicted to result in a frameshift and premature protein termination (p.Ser763Valfs*15). This variant has been reported in the heterozygous state in an individual with optic neuropathy (reported as c.2122del in Yu-Wai-Man et al. 2011. PubMed ID: 21036400). This variant has also been reported in the compound heterozygous state in an individual with a severe phenotype of nystagmus, vision loss, optic atrophy, and progressive ataxia (Othman et al. 2022. PubMed ID: 35741767). This variant is present in 0.00088% of alleles in individuals of European (Non-Finnish) descent in gnomAD. Frameshift variants in OPA1 are an established mechanism of autosomal dominant disease. Given the evidence, we interpret this variant as pathogenic.

GeneDx
Classification: Pathogenic. Last evaluated: 2025-02-07. Review status: criteria provided, single submitter. Criteria: GeneDx Variant Classification Process June 2021. Collection method: clinical testing. Allele origin: germline. Affected: yes.
Comment: Frameshift variant predicted to result in protein truncation or nonsense mediated decay in a gene for which loss-of-function is a known mechanism of disease; Not observed at significant frequency in large population cohorts (gnomAD); Also known as c.2287del, p.Ser763Valfs*15; This variant is associated with the following publications: (PMID: 32371413, 35741767, 21036400)

Athena Diagnostics
Classification: Pathogenic. Last evaluated: 2022-01-21. Review status: criteria provided, single submitter. Criteria: Athena Diagnostics Criteria. Collection method: clinical testing. Allele origin: unknown.
Comment: This variant is expected to result in the loss of a functional protein. The frequency of this variant in the general population is consistent with pathogenicity. This variant has been identified in at least one individual with clinical features associated with this gene. In some published literature, this variant is referred to as c.2287delA, p.(Ser763ValfsTer15).

Blueprint Genetics
Classification: Pathogenic for OPA1-related disorders. Last evaluated: 2021-11-02. Review status: criteria provided, single submitter. Criteria: ACMG Guidelines, 2015. Collection method: clinical testing. Allele origin: germline. Affected: yes. Observed: 5 variant alleles.

Institute for Genomic Medicine (IGM) Clinical Laboratory, Nationwide Children's Hospital
Classification: Pathogenic for Abortive cerebellar ataxia; Autosomal dominant optic atrophy classic form; Optic atrophy with or without deafness, ophthalmoplegia, myopathy, ataxia, and neuropathy. Last evaluated: 2017-09-20. Review status: criteria provided, single submitter. Criteria: ACMG Guidelines, 2015. Collection method: clinical testing. Allele origin: germline. Affected: yes.
Comment: [ACMG/AMP: PVS1, PM2] This alteration is a null variant in a gene where LOF is a known mechanism of disease [PVS1], is absent from or rarely observed in large-scale population databases [PM2].

Literature cited by the submitters: PubMed 11440988 (cited by Labcorp Genetics (formerly Invitae), Labcorp); PubMed 20157015 (cited by Labcorp Genetics (formerly Invitae), Labcorp); PubMed 20952381 (cited by Labcorp Genetics (formerly Invitae), Labcorp); PubMed 25012220 (cited by Labcorp Genetics (formerly Invitae), Labcorp); PubMed 21036400 (cited by Labcorp Genetics (formerly Invitae), Labcorp and Athena Diagnostics); PubMed 32371413 (cited by Athena Diagnostics).

NM_130837.3(OPA1):c.2287del (p.Ser763fs)

Gene: OPA1 (OPA1 mitochondrial dynamin like GTPase; plus strand). Cytogenetic location: 3q29.
Variant type: Deletion.
Coding change: c.2287del on transcript NM_130837.3 (MANE Select); coding-DNA position 2287, one base deleted (A; older notation c.2287delA).
Protein change: p.Ser763fs; shifts the reading frame from serine 763.
Molecular consequence: frameshift variant.
Genome position (GRCh38, 1-based): chr3:193,657,188, A deleted; the last of 3 consecutive A bases (chr3:193,657,186-193,657,188); deleting any one gives the same sequence. VCF-style (leftmost placement, unchanged base first): chr3-193657185-GA-G. GRCh37 (hg19) VCF-style: chr3-193374974-GA-G.
Other names: c.1753del, p.Ser585fs (NM_001354663.2); c.1750del, p.Ser584fs (NM_001354664.2); c.2122del, p.Ser708fs (NM_015560.3); c.2014del, p.Ser672fs (NM_130831.3); c.2068del, p.Ser690fs (NM_130832.3); c.2125del, p.Ser709fs (NM_130833.3); c.2176del, p.Ser726fs (NM_130834.3); c.2179del, p.Ser727fs (NM_130835.3); and 2 more; short protein forms S584fs, S585fs, S672fs, S690fs, S708fs, S709fs, S726fs, S727fs.
Identifiers: ClinVar variation 973235 (VCV000973235.20), dbSNP rs1219753329, ClinGen allele CA437440194.